The following is an entry in ClinVar:

NM_020778.5(ALPK3):c.417_420dup (p.Arg141fs)

Gene: ALPK3 (alpha kinase 3; plus strand). Cytogenetic location: 15q25.3.
Variant type: Duplication.
Coding change: c.417_420dup on transcript NM_020778.5 (MANE Select); coding-DNA positions 417 to 420, 4 bases duplicated (GTAC; older notation c.417_420dupGTAC).
Protein change: p.Arg141fs; shifts the reading frame from arginine 141.
Molecular consequence: frameshift variant.
Genome position (GRCh38, 1-based): chr15:84,839,092-84,839,095, GTAC duplicated. VCF-style (leftmost placement, unchanged base first): chr15-84839091-T-TGTAC. GRCh37 (hg19) VCF-style: chr15-85382322-T-TGTAC.
Other names: short protein forms R141fs.
Identifiers: ClinVar variation 4730629 (VCV004730629.1).

ClinVar aggregate classification (germline): Pathogenic (1 of 4 stars; one submission).

Submission:

Labcorp Genetics (formerly Invitae), Labcorp
Classification: Pathogenic. Last evaluated: 2025-11-06. Review status: criteria provided, single submitter. Criteria: Invitae Variant Classification Sherloc (09022015). Collection method: clinical testing. Allele origin: germline.
Comment: This sequence change creates a premature translational stop signal (p.Arg343Valfs*35) in the ALPK3 gene. It is expected to result in an absent or disrupted protein product. Loss-of-function variants in ALPK3 are known to be pathogenic (PMID: 21441111, 26846950, 27106955, 34263907). This variant is not present in population databases (gnomAD no frequency). This variant has not been reported in the literature in individuals affected with ALPK3-related conditions. For these reasons, this variant has been classified as Pathogenic.

Literature cited by the submitters: PubMed 21441111; PubMed 26846950; PubMed 27106955; PubMed 34263907.